The following is an entry in ClinVar:

NM_032119.4(ADGRV1):c.2912T>A (p.Met971Lys)

Gene: ADGRV1 (adhesion G protein-coupled receptor V1; plus strand). Cytogenetic location: 5q14.3.
Variant type: single nucleotide variant.
Coding change: c.2912T>A on transcript NM_032119.4 (MANE Select); coding-DNA position 2912, T replaced by A.
Protein change: p.Met971Lys; replaces methionine 971 with lysine.
Molecular consequence: missense variant. On other transcripts: non-coding transcript variant (1).
Genome position (GRCh38, 1-based): chr5:90,645,981, T>A. VCF-style: chr5-90645981-T-A. GRCh37 (hg19) VCF-style: chr5-89941798-T-A.
Other names: short protein forms M971K.
Identifiers: ClinVar variation 1722287 (VCV001722287.5), dbSNP rs1767697228, ClinGen allele CA360392585.
Genomic context (GRCh38, chr5:90,645,981, plus strand): 5'-TTATATGTATAAGTCACCTGACTTAAAACGTGTAACATTTTCCAAAGATTCCAGAAGAAA[T>A]GGAAGAATTTACCGTTATCCTACTGAATGGCACTGGAGGAGCTAAAGTGGGAAATAGAAC-3'
Protein context (NP_115495.3, residues 961-981): YSLPDEIPEE[Met971Lys]EEFTVILLNG

ClinVar aggregate classification (germline): Uncertain significance (1 of 4 stars; one submission).

Submission:

Labcorp Genetics (formerly Invitae), Labcorp
Classification: Uncertain significance. Last evaluated: 2022-10-05. Review status: criteria provided, single submitter. Criteria: Invitae Variant Classification Sherloc (09022015). Collection method: clinical testing. Allele origin: germline.
Comment: This sequence change replaces methionine, which is neutral and non-polar, with lysine, which is basic and polar, at codon 971 of the ADGRV1 protein (p.Met971Lys). This variant is not present in population databases (gnomAD no frequency). This variant has not been reported in the literature in individuals affected with ADGRV1-related conditions. Advanced modeling of protein sequence and biophysical properties (such as structural, functional, and spatial information, amino acid conservation, physicochemical variation, residue mobility, and thermodynamic stability) performed at Invitae indicates that this missense variant is not expected to disrupt ADGRV1 protein function. In summary, the available evidence is currently insufficient to determine the role of this variant in disease. Therefore, it has been classified as a Variant of Uncertain Significance.